The following is an entry in ClinVar:

ClinVar aggregate classification (germline): Uncertain significance (1 of 4 stars; one submission).

Conditions:
Atrial fibrillation, familial, 7 (ATFB7). Identifiers: MedGen C2677106, MONDO:0012828, OMIM 612240.

Allele frequency attached by ClinVar (database versions not stated): gnomAD exomes below 0.00001.
gnomAD v4.1: 1 of 1,537,878 alleles (0.000065%); highest among the groups gnomAD compares: South Asian, 0.0012%; no homozygotes.

Submission:

Labcorp Genetics (formerly Invitae), Labcorp
Classification: Uncertain significance for Atrial fibrillation, familial, 7. Last evaluated: 2020-07-02. Review status: criteria provided, single submitter. Criteria: Invitae Variant Classification Sherloc (09022015). Collection method: clinical testing. Allele origin: germline.
Comment: This sequence change replaces glutamic acid with lysine at codon 21 of the KCNA5 protein (p.Glu21Lys). The glutamic acid residue is moderately conserved and there is a small physicochemical difference between glutamic acid and lysine. The frequency data for this variant in the population databases is considered unreliable, as metrics indicate insufficient coverage at this position in the ExAC database. This variant has not been reported in the literature in individuals with KCNA5-related conditions. Algorithms developed to predict the effect of missense changes on protein structure and function are either unavailable or do not agree on the potential impact of this missense change (SIFT: "Deleterious"; PolyPhen-2: "Benign"; Align-GVGD: "Class C0"). In summary, the available evidence is currently insufficient to determine the role of this variant in disease. Therefore, it has been classified as a Variant of Uncertain Significance.

NM_002234.4(KCNA5):c.61G>A (p.Glu21Lys)

Gene: KCNA5 (potassium voltage-gated channel subfamily A member 5; plus strand). Cytogenetic location: 12p13.32.
Variant type: single nucleotide variant.
Coding change: c.61G>A on transcript NM_002234.4 (MANE Select); coding-DNA position 61, G replaced by A.
Protein change: p.Glu21Lys; replaces glutamic acid 21 with lysine.
Molecular consequence: missense variant.
Genome position (GRCh38, 1-based): chr12:5,044,208, G>A. VCF-style: chr12-5044208-G-A. GRCh37 (hg19) VCF-style: chr12-5153374-G-A.
Other names: short protein forms E21K.
Identifiers: ClinVar variation 1006528 (VCV001006528.8), dbSNP rs1862741663, ClinGen allele CA383461820.